The following is an entry in ClinVar:

NM_000051.4(ATM):c.2999del (p.Asn1000fs)

Gene: ATM (ATM serine/threonine kinase; plus strand). Cytogenetic location: 11q22.3.
Variant type: Deletion.
Coding change: c.2999del on transcript NM_000051.4 (MANE Select); coding-DNA position 2999, one base deleted (A; older notation c.2999delA).
Protein change: p.Asn1000fs; shifts the reading frame from asparagine 1000.
Molecular consequence: frameshift variant.
Genome position (GRCh38, 1-based): chr11:108,271,328, A deleted; the last of 5 consecutive A bases (chr11:108,271,324-108,271,328); deleting any one gives the same sequence. VCF-style (leftmost placement, unchanged base first): chr11-108271323-GA-G. GRCh37 (hg19) VCF-style: chr11-108142050-GA-G.
Other names: c.2999del, p.Asn1000fs (NM_001351834.2); short protein forms N1000fs.
Identifiers: ClinVar variation 945562 (VCV000945562.7), dbSNP rs1057516250, ClinGen allele CA1139662217.

ClinVar aggregate classification (germline): Pathogenic (1 of 4 stars; one submission).

Conditions:
Ataxia-telangiectasia syndrome (AT). Also called: Ataxia-telangiectasia, complementation group E; Ataxia telangiectasia (A-T); LOUIS-BAR SYNDROME; ATAXIA-TELANGIECTASIA, FRESNO VARIANT; AT, COMPLEMENTATION GROUP C; Ataxia-telangiectasia. Identifiers: Orphanet 100, MedGen C0004135, MONDO:0008840, OMIM 208900.

Submission:

Labcorp Genetics (formerly Invitae), Labcorp
Classification: Pathogenic for Ataxia-telangiectasia syndrome. Last evaluated: 2025-10-19. Review status: criteria provided, single submitter. Criteria: Invitae Variant Classification Sherloc (09022015). Collection method: clinical testing. Allele origin: germline.
Comment: This sequence change creates a premature translational stop signal (p.Asn1000Thrfs*2) in the ATM gene. It is expected to result in an absent or disrupted protein product. Loss-of-function variants in ATM are known to be pathogenic (PMID: 23807571, 25614872). This variant is not present in population databases (gnomAD no frequency). This variant has not been reported in the literature in individuals affected with ATM-related conditions. ClinVar contains an entry for this variant (Variation ID: 945562). For these reasons, this variant has been classified as Pathogenic.

Literature cited by the submitters: PubMed 23807571; PubMed 25614872.